The following is an entry in ClinVar:

NM_006431.3(CCT2):c.1249A>G (p.Met417Val)

Gene: CCT2 (chaperonin containing TCP1 subunit 2; plus strand). Cytogenetic location: 12q15.
Variant type: single nucleotide variant.
Coding change: c.1249A>G on transcript NM_006431.3 (MANE Select); coding-DNA position 1249, A replaced by G.
Protein change: p.Met417Val; replaces methionine 417 with valine.
Molecular consequence: missense variant.
Genome position (GRCh38, 1-based): chr12:69,597,985, A>G. VCF-style: chr12-69597985-A-G. GRCh37 (hg19) VCF-style: chr12-69991765-A-G.
Other names: c.1108A>G, p.Met370Val (NM_001198842.2); short protein forms M370V, M417V.
Identifiers: ClinVar variation 2072205 (VCV002072205.4), dbSNP rs766530481, ClinGen allele CA385730934.

ClinVar aggregate classification (germline): Uncertain significance (1 of 4 stars; one submission).

Submission:

Labcorp Genetics (formerly Invitae), Labcorp
Classification: Uncertain significance. Last evaluated: 2022-01-31. Review status: criteria provided, single submitter. Criteria: Invitae Variant Classification Sherloc (09022015). Collection method: clinical testing. Allele origin: germline.
Comment: Algorithms developed to predict the effect of missense changes on protein structure and function are either unavailable or do not agree on the potential impact of this missense change (SIFT: "Deleterious"; PolyPhen-2: "Benign"; Align-GVGD: "Class C15"). In summary, the available evidence is currently insufficient to determine the role of this variant in disease. Therefore, it has been classified as a Variant of Uncertain Significance. This variant has not been reported in the literature in individuals affected with CCT2-related conditions. This variant is not present in population databases (gnomAD no frequency). This sequence change replaces methionine, which is neutral and non-polar, with valine, which is neutral and non-polar, at codon 417 of the CCT2 protein (p.Met417Val).